The following is an entry in ClinVar:

ClinVar aggregate classification (germline): Likely pathogenic (1 of 4 stars; one submission).

Submission:

Labcorp Genetics (formerly Invitae), Labcorp
Classification: Likely pathogenic. Last evaluated: 2022-10-19. Review status: criteria provided, single submitter. Criteria: Invitae Variant Classification Sherloc (09022015). Collection method: clinical testing. Allele origin: germline.
Comment: This variant results in the deletion of part of exon 15 (c.2594-5_2668del) of the LAMC3 gene. It is expected to disrupt RNA splicing. Variants that disrupt the donor or acceptor splice site typically lead to a loss of protein function (PMID: 16199547), and loss-of-function variants in LAMC3 are known to be pathogenic (PMID: 21572413, 26802095). This variant is not present in population databases (gnomAD no frequency). This variant has not been reported in the literature in individuals affected with LAMC3-related conditions. Algorithms developed to predict the effect of sequence changes on RNA splicing suggest that this variant may disrupt the consensus splice site. In summary, the currently available evidence indicates that the variant is pathogenic, but additional data are needed to prove that conclusively. Therefore, this variant has been classified as Likely Pathogenic.

Literature cited by the submitters: PubMed 16199547; PubMed 21572413; PubMed 26802095.

NM_006059.4(LAMC3):c.2594-5_2668del

Gene: LAMC3 (laminin subunit gamma 3; plus strand). Cytogenetic location: 9q34.12.
Variant type: Deletion.
Coding change: c.2594-5_2668del on transcript NM_006059.4 (MANE Select); 5 bases into the intron before coding-DNA position 2594 through coding-DNA position 2668, 80 bases deleted.
Molecular consequence: splice acceptor variant.
Genome position (GRCh38, 1-based): chr9:131,068,073-131,068,152, 80 bases deleted. GRCh37 (hg19): chr9:133,943,460-133,943,539.
Identifiers: ClinVar variation 2808968 (VCV002808968.3), dbSNP rs2538301349, ClinGen allele CA2739265133.